The following is an entry in ClinVar:

ClinVar aggregate classification (germline): Pathogenic/Likely pathogenic. Review status: criteria provided, multiple submitters, no conflicts (2 of 4 stars). 2 submissions from 2 submitters: Pathogenic (1); Likely pathogenic (1). Last evaluated 2023-09-18.

Conditions:
Thrombocytopenia 1. Also called: THROMBOCYTOPENIA, X-LINKED, 1; X-linked thrombocytopenia with normal platelets; X-Linked Thrombocytopenia (XLT). Identifiers: Orphanet 268322, Orphanet 852, MedGen C1839163, MONDO:0010743, OMIM 313900.
Wiskott-Aldrich syndrome (WAS). Also called: ALDRICH SYNDROME; IMMUNODEFICIENCY 2; WISKOTT-ALDRICH SYNDROME 1; Wiskott-aldrich syndrome, somatic. Identifiers: Orphanet 906, MedGen C0043194, MONDO:0010518, OMIM 301000.
X-linked severe congenital neutropenia (SCNX). Identifiers: Orphanet 86788, MedGen C1845987, MONDO:0010294, OMIM 300299.

Submissions (2):

Labcorp Genetics (formerly Invitae), Labcorp
Classification: Pathogenic for Wiskott-Aldrich syndrome; X-linked severe congenital neutropenia; Thrombocytopenia 1. Last evaluated: 2023-09-18. Review status: criteria provided, single submitter. Criteria: Invitae Variant Classification Sherloc (09022015). Collection method: clinical testing. Allele origin: germline.
Comment: This sequence change replaces phenylalanine, which is neutral and non-polar, with serine, which is neutral and polar, at codon 128 of the WAS protein (p.Phe128Ser). For these reasons, this variant has been classified as Pathogenic. This variant disrupts the p.Phe128 amino acid residue in WAS. Other variant(s) that disrupt this residue have been determined to be pathogenic (PMID: 8931701, 15284122, 19817875). This suggests that this residue is clinically significant, and that variants that disrupt this residue are likely to be disease-causing. Algorithms developed to predict the effect of sequence changes on RNA splicing suggest that this variant may disrupt the consensus splice site. Advanced modeling of protein sequence and biophysical properties (such as structural, functional, and spatial information, amino acid conservation, physicochemical variation, residue mobility, and thermodynamic stability) performed at Invitae indicates that this missense variant is expected to disrupt WAS protein function. ClinVar contains an entry for this variant (Variation ID: 1810240). This missense change has been observed in individuals with Wiskott-Aldridge syndrome (PMID: 8931701, 15284122, 22426750). This variant is not present in population databases (gnomAD no frequency).

Dubai Health Genomic Medicine Center, Dubai Health
Classification: Likely pathogenic. Last evaluated: 2022-12-17. Review status: criteria provided, single submitter. Criteria: ACMG Guidelines, 2015. Collection method: clinical testing. Allele origin: germline. Affected: yes.

Literature cited by the submitters: PubMed 8931701 (cited by Labcorp Genetics (formerly Invitae), Labcorp); PubMed 15284122 (cited by Labcorp Genetics (formerly Invitae), Labcorp); PubMed 19817875 (cited by Labcorp Genetics (formerly Invitae), Labcorp); PubMed 22426750 (cited by Labcorp Genetics (formerly Invitae), Labcorp).

NM_000377.3(WAS):c.383T>C (p.Phe128Ser)

Gene: WAS (WASP actin nucleation promoting factor; plus strand). Cytogenetic location: Xp11.23.
Variant type: single nucleotide variant.
Coding change: c.383T>C on transcript NM_000377.3 (MANE Select); coding-DNA position 383, T replaced by C.
Protein change: p.Phe128Ser; replaces phenylalanine 128 with serine.
Molecular consequence: missense variant.
Genome position (GRCh38, 1-based): chrX:48,685,756, T>C. VCF-style: chrX-48685756-T-C. GRCh37 (hg19) VCF-style: chrX-48544145-T-C.
Other names: short protein forms F128S.
Identifiers: ClinVar variation 1810240 (VCV001810240.4), dbSNP rs2519280746, ClinGen allele CA412867479.